The following is an entry in ClinVar:

NM_033305.3(VPS13A):c.6700_6701delinsA (p.Arg2234fs)

Gene: VPS13A (vacuolar protein sorting 13 homolog A; plus strand). Cytogenetic location: 9q21.2.
Variant type: Indel.
Coding change: c.6700_6701delinsA on transcript NM_033305.3 (MANE Select); coding-DNA positions 6700 to 6701, CG replaced by A.
Protein change: p.Arg2234fs; shifts the reading frame from arginine 2234.
Molecular consequence: frameshift variant.
Genome position (GRCh38, 1-based): chr9:77,339,837-77,339,838, CG replaced by A. VCF-style: chr9-77339837-CG-A. GRCh37 (hg19) VCF-style: chr9-79954753-CG-A.
Other names: c.6583_6584delinsA, p.Arg2195fs (NM_001018037.2); c.6700_6701delinsA, p.Arg2234fs (NM_001018038.3, NM_015186.4); short protein forms R2195fs, R2234fs.
Identifiers: ClinVar variation 5011007 (VCV005011007.1).

ClinVar aggregate classification (germline): Pathogenic (1 of 4 stars; one submission).

Conditions:
VPS13A-related neurodegenerative disease. Also called: ACANTHOCYTOSIS WITH NEUROLOGIC DISORDER; LEVINE-CRITCHLEY SYNDROME; Choreoacanthocytosis; Chorea-acanthocytosis; Choreaacanthocytosis; VPS13A Disease. Identifiers: Orphanet 2388, MedGen C0393576, MONDO:0008695, OMIM 200150.

Submission:

Myriad Genetics, Inc.
Classification: Pathogenic for VPS13A-related neurodegenerative disease. Last evaluated: 2024-05-14. Review status: criteria provided, single submitter. Criteria: Myriad Autosomal Dominant, Autosomal Recessive and X-Linked Classification Criteria (2023). Collection method: clinical testing. Allele origin: unknown.
Comment: NM_033305.2(VPS13A):c.6700_6701delCGinsA(R2234Kfs*30) is expected to be pathogenic in the context of VPS13A disease. This variant is predicted to lead to an abnormal or absent protein product due to the creation of a premature termination codon in VPS13A, a gene where loss-of-function variants are known to be pathogenic. Please note: this variant was assessed in the context of healthy population screening.